The following is an entry in ClinVar:

NM_030912.3(TRIM8):c.1504T>C (p.Tyr502His)

Gene: TRIM8 (tripartite motif containing 8; plus strand). Cytogenetic location: 10q24.32.
Variant type: single nucleotide variant.
Coding change: c.1504T>C on transcript NM_030912.3 (MANE Select); coding-DNA position 1504, T replaced by C.
Protein change: p.Tyr502His; replaces tyrosine 502 with histidine.
Molecular consequence: missense variant. On other transcripts: non-coding transcript variant (1).
Genome position (GRCh38, 1-based): chr10:102,657,202, T>C. VCF-style: chr10-102657202-T-C. GRCh37 (hg19) VCF-style: chr10-104416959-T-C.
Other names: c.1408T>C, p.Tyr470His (NM_001345950.1); short protein forms Y470H, Y502H.
Identifiers: ClinVar variation 4798890 (VCV004798890.1).
Genomic context (GRCh38, chr10:102,657,202, plus strand): 5'-GGCGGCCACCAGCCCTACCCCCGCTCCGGCCACTTTCCCTGGACAGTGCCCTCGCAGGAG[T>C]ACTCACACCCGCTCCCGCCCACACCCTCCGTCCCCCAGTCCCTTCCCAGCCTGGCGGTCA-3'
Protein context (NP_112174.2, residues 492-512): HFPWTVPSQE[Tyr502His]SHPLPPTPSV

ClinVar aggregate classification (germline): Uncertain significance (1 of 4 stars; one submission).

Submission:

Labcorp Genetics (formerly Invitae), Labcorp
Classification: Uncertain significance. Last evaluated: 2026-01-01. Review status: criteria provided, single submitter. Criteria: Invitae Variant Classification Sherloc (09022015). Collection method: clinical testing. Allele origin: germline.
Comment: This sequence change replaces tyrosine, which is neutral and polar, with histidine, which is basic and polar, at codon 502 of the TRIM8 protein (p.Tyr502His). This variant is not present in population databases (gnomAD no frequency). This variant has not been reported in the literature in individuals affected with TRIM8-related conditions. An algorithm developed to predict the effect of missense changes on protein structure and function (PolyPhen-2) suggests that this variant is likely to be disruptive. In summary, the available evidence is currently insufficient to determine the role of this variant in disease. Therefore, it has been classified as a Variant of Uncertain Significance.